The following is an entry in ClinVar:

ClinVar aggregate classification (germline): Benign (1 of 4 stars; one submission).

Conditions:
Sialuria. Also called: SIALURIA, FRENCH TYPE; Sialic Acid Storage Disease. Identifiers: Orphanet 3166, MedGen C0342853, MONDO:0010028, OMIM 269921.

Allele frequency attached by ClinVar (database versions not stated): TOPMed 0.00067; gnomAD 0.00070 and 0.00071; 1000 Genomes Project 0.00080; 1000 Genomes Project 30x 0.00094.

Submission:

Illumina Laboratory Services, Illumina
Classification: Benign for Sialuria. Last evaluated: 2018-01-13. Review status: criteria provided, single submitter. Criteria: ICSL Variant Classification Criteria 13 December 2019. Collection method: clinical testing. Allele origin: germline.
Comment: This variant was observed in the ICSL laboratory as part of a predisposition screen in an ostensibly healthy population. It had not been previously curated by ICSL or reported in the Human Gene Mutation Database (HGMD: prior to June 1st, 2018), and was therefore a candidate for classification through an automated scoring system. Utilizing variant allele frequency, disease prevalence and penetrance estimates, and inheritance mode, an automated score was calculated to assess if this variant is too frequent to cause the disease. Based on the score and internal cut-off values, a variant classified as benign is not then subjected to further curation. The score for this variant resulted in a classification of benign for this disease.

NM_005476.7(GNE):c.*1728C>T

Gene: GNE (glucosamine (UDP-N-acetyl)-2-epimerase/N-acetylmannosamine kinase; minus strand). Cytogenetic location: 9p13.3.
Variant type: single nucleotide variant.
Coding change: c.*1728C>T on transcript NM_005476.7 (MANE Select); 1728 bases downstream of the stop codon, C replaced by T.
Molecular consequence: 3 prime UTR variant.
Genome position (GRCh38, 1-based): chr9:36,215,637, G>A on the plus strand (C>T on the coding strand, the complement: GNE is on the minus strand). VCF-style: chr9-36215637-G-A. GRCh37 (hg19) VCF-style: chr9-36215634-G-A.
Other names: c.*1728C>T (NM_001128227.3, NM_001190383.3, NM_001190384.3 and 3 more transcripts).
Identifiers: ClinVar variation 366812 (VCV000366812.6), dbSNP rs41277097, ClinGen allele CA10627315.
Genomic context (GRCh38, chr9:36,215,637, plus strand): 5'-AGCTTAACAGTCAAACACACCAAGTTCTATAAAATAAAAATTAAAACACCTACCTCATAT[G>A]TTGAGATAATTTAGGATAATGTATATGAAGCACCTAGTTCAGAGCCTGGCACACAGTAGG-3'